The following is an entry in ClinVar:

NM_000059.4(BRCA2):c.10095delinsGAATTATATCT (p.Ser3366fs)

Gene: BRCA2 (BRCA2 DNA repair associated; plus strand). Cytogenetic location: 13q13.1.
Variant type: Indel.
Coding change: c.10095delinsGAATTATATCT on transcript NM_000059.4 (MANE Select); coding-DNA position 10095, C replaced by GAATTATATCT.
Protein change: p.Ser3366fs; shifts the reading frame from serine 3366.
Molecular consequence: frameshift variant.
Genome position (GRCh38, 1-based): chr13:32,398,608, C replaced by GAATTATATCT. VCF-style: chr13-32398608-C-GAATTATATCT. GRCh37 (hg19) VCF-style: chr13-32972745-C-GAATTATATCT.
Other names: 10323delCins11; p.Ser3366Asnfs*4; c.10095delCinsGAATTATATCT (NM_000059.3); short protein forms S3366fs.
Identifiers: ClinVar variation 125926 (VCV000125926.73), dbSNP rs276174803, ClinGen allele CA164719.

ClinVar aggregate classification (germline): Conflicting classifications of pathogenicity. Review status: criteria provided, conflicting classifications (1 of 4 stars). 22 submissions from 21 submitters: Uncertain significance (3); Benign (4); Likely benign (7). 8 of the submissions do not count toward it. Last evaluated 2026-03-24.

Conditions:
BRCA2-related disorder. Also called: BRCA2-related condition; BRCA2-related disorders. Identifiers: MedGen CN239275.
Breast and/or ovarian cancer. Identifiers: MedGen CN221562.
Hereditary cancer. Identifiers: MedGen C1333600.
Hereditary cancer-predisposing syndrome. Also called: Tumor predisposition; Hereditary neoplastic syndrome; Neoplastic Syndromes, Hereditary; Hereditary Cancer Syndrome. Identifiers: Orphanet 140162, MedGen C0027672, MeSH D009386, MONDO:0015356.
Hereditary breast ovarian cancer syndrome. Also called: Hereditary breast and ovarian cancer syndrome (HBOC); Hereditary breast and ovarian cancer; Hereditary breast and ovarian cancer syndrome; Breast and ovarian cancer; Hereditary breast and/or ovarian cancer syndrome; BRCA1- and BRCA2-Associated Hereditary Breast and Ovarian Cancer. Identifiers: Orphanet 145, MedGen C0677776, MeSH D061325, MONDO:0003582. Disease mechanism: loss of function.
Breast-ovarian cancer, familial, susceptibility to, 2 (BROVCA2). Also called: BRCA2 Hereditary Breast and Ovarian Cancer. Identifiers: Orphanet 145, MedGen C2675520, MONDO:0012933, OMIM 612555. Disease mechanism: loss of function.
Breast carcinoma. Also called: Carcinoma of breast. Identifiers: MedGen C0678222, MONDO:0004989, HP:0003002.

Submissions 1 to 21 of 22:

Petrovsky National Research Centre of Surgery, The Federal Agency for Scientific Organizations
Classification: Uncertain significance for Hereditary cancer. Last evaluated: 2026-03-24. Review status: criteria provided, single submitter. Criteria: ACMG Guidelines, 2015. Collection method: clinical testing. Allele origin: germline. Affected: yes. Observed: 1 variant allele.
Comment: The variant is not in The Genome Aggregation Database (gnomAD) v4.1.0. (Date of access 2026-03-24).

CeGaT Center for Human Genetics Tuebingen
Classification: Likely benign. Last evaluated: 2026-01-01. Review status: criteria provided, single submitter. Criteria: CeGaT Center For Human Genetics Tuebingen Variant Classification Criteria Version 2. Collection method: clinical testing. Allele origin: germline. Affected: yes. Observed: 14 variant alleles.
Comment: BRCA2: BS1:Supporting

Quest Diagnostics Nichols Institute San Juan Capistrano
Classification: Likely benign. Last evaluated: 2025-07-18. Review status: criteria provided, single submitter. Criteria: Quest Diagnostics criteria. Collection method: clinical testing. Allele origin: unknown.

German Consortium for Hereditary Breast and Ovarian Cancer, University Hospital Cologne
Classification: Likely benign for Hereditary breast ovarian cancer syndrome. Last evaluated: 2025-02-12. Review status: criteria provided, single submitter. Criteria: ClinGen BRCA2 V1.1.0. Collection method: curation. Allele origin: germline.
Comment: missense or nonsense variant predicted to modify or truncate protein sequence at residues from position p.3309 onwards is considered highly unlikely to be clinically important as a high-risk variant; According to the ClinGen ENIGMA BRCA2 v1.1.0 criteria we chose this criterion: PM2 (supporting pathogenic): absent from controls

ARUP Laboratories, Molecular Genetics and Genomics, ARUP Laboratories
Classification: Likely benign. Last evaluated: 2025-01-02. Review status: criteria provided, single submitter. Criteria: ARUP Molecular Germline Variant Investigation Process 2024. Collection method: clinical testing. Allele origin: germline.

CHEO Genetics Diagnostic Laboratory, Children's Hospital of Eastern Ontario
Classification: Likely benign for Breast and/or ovarian cancer. Last evaluated: 2022-12-05. Review status: criteria provided, single submitter. Criteria: ACMG Guidelines, 2015. Collection method: clinical testing. Allele origin: germline. Study: Canadian Open Genetics Repository.

Mayo Clinic Laboratories, Mayo Clinic
Classification: Uncertain significance. Last evaluated: 2022-05-11. Review status: criteria provided, single submitter. Criteria: ACMG Guidelines, 2015. Collection method: clinical testing. Allele origin: germline. Observed: 1 variant allele.
Comment: PM2

Genetic Services Laboratory, University of Chicago
Classification: Likely benign. Last evaluated: 2020-11-06. Review status: criteria provided, single submitter. Criteria: ACMG Guidelines, 2015. Collection method: clinical testing. Allele origin: germline. Affected: no.

Women's Health and Genetics/Laboratory Corporation of America, LabCorp
Classification: Benign. Last evaluated: 2016-05-03. Review status: criteria provided, single submitter. Criteria: LabCorp Variant Classification Summary - May 2015. Collection method: clinical testing. Allele origin: germline.
Comment: Variant summary: The c. 10095delinsGAATTATATCT (p.Ser3366Asnfs) variant in BRCA2 has been reported in the literature to be found in prostate, breast and ovarian cancer patients, without strong evidence for causality. The variant was identified in at least 1 healthy individual from the literature, but not amongst the 1000G, ExAC or and ESP cohort. Multiple reputable clinical labs/databases have classified the variant as benign/likely benign. The variant is located 51 amino acids from the end of the protein and 40 amino acids downstream from the c.9976A>T (p.Lys3326X) variant, which was proven to be non pathogenic and It is generally accepted that truncations downstream of Lys3326 are non-pathogenic. Additionally, the variant was found to co-occur with several pathogenic BRCA1/2 variants via UMD: BRCA2 c.17_18delAA (p.Lys6Argfs), BRCA1 c.2959A>T (p.Lys987X), BRCA1 c.1171G>T (p.Glu391X). The variant was also shown to have no effect on splicing (Houdayer_2012). The variant of interest shows strong evidence for neutrality, and has been classified as a benign variant.

Molecular Genetics Laboratory, University of Michigan
Classification: Benign for Breast-ovarian cancer, familial, susceptibility to, 2. Last evaluated: 2016-04-21. Review status: criteria provided, single submitter. Criteria: ACMG Guidelines, 2015. Collection method: clinical testing. Allele origin: germline. Affected: yes.

CHEO Genetics Diagnostic Laboratory, Children's Hospital of Eastern Ontario
Classification: Uncertain significance for Hereditary breast ovarian cancer syndrome. Last evaluated: 2016-02-02. Review status: criteria provided, single submitter. Criteria: ACMG Guidelines, 2015. Collection method: clinical testing. Allele origin: germline.
Comment: Interpretation was last updated within 1 year from 2/2/2016 11:04 AM

Color Diagnostics, LLC DBA Color Health
Classification: Likely benign for Hereditary cancer-predisposing syndrome. Last evaluated: 2015-09-22. Review status: criteria provided, single submitter. Criteria: ACMG Guidelines, 2015. Collection method: clinical testing. Allele origin: germline.

GeneDx
Classification: Benign. Last evaluated: 2015-03-03. Review status: criteria provided, single submitter. Criteria: GeneDx Variant Classification Process June 2021. Collection method: clinical testing. Allele origin: germline. Affected: yes.
Comment: This variant is associated with the following publications: (PMID: 30113427, 22505045, 12569143)

Ambry Genetics
Classification: Benign for Hereditary cancer-predisposing syndrome. Last evaluated: 2014-11-19. Review status: criteria provided, single submitter. Criteria: Ambry Variant Classification Scheme 2023. Collection method: clinical testing. Allele origin: germline.

PreventionGenetics, part of Exact Sciences
Classification: Likely benign for BRCA2-related condition. Last evaluated: 2023-10-11. Review status: no assertion criteria provided. Collection method: clinical testing. Allele origin: germline. Not counted in ClinVar's aggregate classification.
Comment: This variant is classified as likely benign based on ACMG/AMP sequence variant interpretation guidelines (Richards et al. 2015 PMID: 25741868, with internal and published modifications).

Medical Genetics Laboratory, Umraniye Training and Research Hospital, University of Health Sciences
Classification: Likely pathogenic for Breast carcinoma. Last evaluated: 2021-09-11. Review status: no assertion criteria provided. Collection method: clinical testing. Allele origin: germline. Inheritance: Autosomal dominant inheritance. Affected: yes. Observed: 1 heterozygote. Not counted in ClinVar's aggregate classification.

BRCAlab, Lund University
Classification: Likely benign for Breast-ovarian cancer, familial, susceptibility to, 2. Last evaluated: 2020-03-02. Review status: no assertion criteria provided. Collection method: clinical testing. Allele origin: germline. Affected: yes. Not counted in ClinVar's aggregate classification.

Dr. Peter K. Rogan Lab, Western University
Classification: Uncertain significance for Hereditary breast ovarian cancer syndrome. Last evaluated: 2015-12-22. Review status: no assertion criteria provided. Collection method: research. Allele origin: unknown. Affected: yes. Observed: 1 variant allele. Study: Caminsky_2016. Not counted in ClinVar's aggregate classification.

Pathway Genomics
Classification: Likely benign for hereditary breast and ovarian cancer, BROVCA2. Last evaluated: 2014-07-24. Review status: no assertion criteria provided. Collection method: literature only. Allele origin: germline. Not counted in ClinVar's aggregate classification.

Research Molecular Genetics Laboratory, Women's College Hospital, University of Toronto
Classification: Benign. Last evaluated: 2014-01-31. Review status: no assertion criteria provided. Collection method: research. Allele origin: germline. Affected: yes. Study: The Canadian Open Genetics Repository (COGR). Not counted in ClinVar's aggregate classification.

Breast Cancer Information Core (BIC) (BRCA2)
Classification: Benign for Breast-ovarian cancer, familial 2. Last evaluated: 2010-12-17. Review status: no assertion criteria provided. Collection method: clinical testing. Allele origin: germline. Affected: yes. Observed: 2 variant alleles. Not counted in ClinVar's aggregate classification.